The following is an entry in ClinVar:

ClinVar aggregate classification (germline): Conflicting classifications of pathogenicity. Review status: criteria provided, conflicting classifications (1 of 4 stars). 3 submissions from 3 submitters: Uncertain significance (1); Likely benign (1). 1 of the submissions does not count toward it. Last evaluated 2024-10-19.

Conditions:
Hereditary cancer-predisposing syndrome. Also called: Hereditary Cancer Syndrome; Neoplastic Syndromes, Hereditary; Hereditary neoplastic syndrome; Tumor predisposition. Identifiers: Orphanet 140162, MedGen C0027672, MeSH D009386, MONDO:0015356.
Ataxia-telangiectasia syndrome (AT). Also called: Cerebello-oculocutaneous telangiectasia; Immunodeficiency with ataxia telangiectasia; Ataxia-telangiectasia, complementation group E; Ataxia-telangiectasia, complementation group D; AT, COMPLEMENTATION GROUP C; ATAXIA-TELANGIECTASIA, COMPLEMENTATION GROUP A. Identifiers: Orphanet 100, MedGen C0004135, MONDO:0008840, OMIM 208900.

gnomAD v4.1: 1 of 1,614,038 alleles (0.000062%); highest among the groups gnomAD compares: Middle Eastern, 0.017%; no homozygotes.

Submissions (3):

Ambry Genetics
Classification: Likely benign for Hereditary cancer-predisposing syndrome. Last evaluated: 2024-10-19. Review status: criteria provided, single submitter. Criteria: Ambry Variant Classification Scheme 2023. Collection method: clinical testing. Allele origin: germline.

Labcorp Genetics (formerly Invitae), Labcorp
Classification: Uncertain significance for Ataxia-telangiectasia syndrome. Last evaluated: 2022-10-26. Review status: criteria provided, single submitter. Criteria: Invitae Variant Classification Sherloc (09022015). Collection method: clinical testing. Allele origin: germline.
Comment: This sequence change replaces aspartic acid, which is acidic and polar, with glutamic acid, which is acidic and polar, at codon 899 of the ATM protein (p.Asp899Glu). This variant is not present in population databases (gnomAD no frequency). This variant has not been reported in the literature in individuals affected with ATM-related conditions. ClinVar contains an entry for this variant (Variation ID: 821682). Algorithms developed to predict the effect of missense changes on protein structure and function (SIFT, PolyPhen-2, Align-GVGD) all suggest that this variant is likely to be tolerated. In summary, the available evidence is currently insufficient to determine the role of this variant in disease. Therefore, it has been classified as a Variant of Uncertain Significance.

Natera, Inc.
Classification: Uncertain significance for Ataxia-telangiectasia. Last evaluated: 2020-09-16. Review status: no assertion criteria provided. Collection method: clinical testing. Allele origin: germline. Not counted in ClinVar's aggregate classification.

NM_000051.4(ATM):c.2697C>G (p.Asp899Glu)

Gene: ATM (ATM serine/threonine kinase; plus strand). Cytogenetic location: 11q22.3.
Variant type: single nucleotide variant.
Coding change: c.2697C>G on transcript NM_000051.4 (MANE Select); coding-DNA position 2697, C replaced by G.
Protein change: p.Asp899Glu; replaces aspartic acid 899 with glutamic acid.
Molecular consequence: missense variant.
Genome position (GRCh38, 1-based): chr11:108,268,468, C>G. VCF-style: chr11-108268468-C-G. GRCh37 (hg19) VCF-style: chr11-108139195-C-G.
Other names: c.2697C>G, p.Asp899Glu (NM_001351834.2); short protein forms D899E.
Identifiers: ClinVar variation 821682 (VCV000821682.9), dbSNP rs786202978, ClinGen allele CA382545212.
Genomic context (GRCh38, chr11:108,268,468, plus strand): 5'-AGGTGCCATTAATCCTTTAGCTGAAGAATATCTGTCAAAGCAAGATCTACTTTTCTTAGA[C>G]ATGCTCAAGTTCTTGTGTTTGTGTGTAACTACTGCTCAGACCAATACTGTGTCCTTTAGG-3'
Protein context (NP_000042.3, residues 889-909): YLSKQDLLFL[Asp899Glu]MLKFLCLCVT